The following is an entry in ClinVar:

NM_000264.5(PTCH1):c.3043T>G (p.Phe1015Val)

Gene: PTCH1 (patched 1; minus strand). Cytogenetic location: 9q22.32.
Variant type: single nucleotide variant.
Coding change: c.3043T>G on transcript NM_000264.5 (MANE Select); coding-DNA position 3043, T replaced by G.
Protein change: p.Phe1015Val; replaces phenylalanine 1015 with valine.
Molecular consequence: missense variant. On other transcripts: non-coding transcript variant (1).
Genome position (GRCh38, 1-based): chr9:95,458,138, A>C on the plus strand (T>G on the coding strand, the complement: PTCH1 is on the minus strand). VCF-style: chr9-95458138-A-C. GRCh37 (hg19) VCF-style: chr9-98220420-A-C.
Other names: c.2845T>G, p.Phe949Val (NM_001083602.3); c.3040T>G, p.Phe1014Val (NM_001083603.3); c.2590T>G, p.Phe864Val (NM_001083604.3, NM_001083605.3, NM_001083606.3 and 1 more transcripts); c.2887T>G, p.Phe963Val (NM_001354918.2); short protein forms F1014V, F963V, F864V, F1015V, F949V.
Identifiers: ClinVar variation 5027461 (VCV005027461.1).

ClinVar aggregate classification (germline): Uncertain significance (1 of 4 stars; one submission).

Conditions:
Hereditary cancer-predisposing syndrome. Also called: Neoplastic Syndromes, Hereditary; Tumor predisposition; Hereditary neoplastic syndrome; Hereditary Cancer Syndrome. Identifiers: Orphanet 140162, MedGen C0027672, MeSH D009386, MONDO:0015356.

Submission:

Ambry Genetics
Classification: Uncertain significance for Hereditary cancer-predisposing syndrome. Last evaluated: 2026-07-06. Review status: criteria provided, single submitter. Criteria: Ambry Variant Classification Scheme 2023. Collection method: clinical testing. Allele origin: germline.
Comment: The p.F949V variant (also known as c.2845T>G), located in coding exon 18 of the PTCH1 gene, results from a T to G substitution at nucleotide position 2845. The phenylalanine at codon 949 is replaced by valine, an amino acid with highly similar properties. This amino acid position is conserved. In addition, this alteration is predicted to be deleterious by in silico analysis. Based on the available evidence, the clinical significance of this variant remains unclear.